The following is an entry in ClinVar:

NM_014252.4(SLC25A15):c.182G>A (p.Arg61His)

Gene: SLC25A15 (solute carrier family 25 member 15; plus strand). Cytogenetic location: 13q14.11.
Variant type: single nucleotide variant.
Coding change: c.182G>A on transcript NM_014252.4 (MANE Select); coding-DNA position 182, G replaced by A.
Protein change: p.Arg61His; replaces arginine 61 with histidine.
Molecular consequence: missense variant. On other transcripts: non-coding transcript variant (2).
Genome position (GRCh38, 1-based): chr13:40,799,183, G>A. VCF-style: chr13-40799183-G-A. GRCh37 (hg19) VCF-style: chr13-41373319-G-A.
Other names: p.Arg61His; short protein forms R61H.
Identifiers: ClinVar variation 203939 (VCV000203939.73), dbSNP rs34615430, ClinGen allele CA312980.

ClinVar aggregate classification (germline): Conflicting classifications of pathogenicity. Review status: criteria provided, conflicting classifications (1 of 4 stars). 11 submissions from 11 submitters: Uncertain significance (4); Likely benign (4). 3 of the submissions do not count toward it. Last evaluated 2026-02-04.

Conditions:
SLC25A15-related disorder. Also called: SLC25A15-related condition.
Hyperornithinemia-hyperammonemia-homocitrullinuria syndrome (HHHS). Also called: Ornithine translocase deficiency; HHH SYNDROME. Identifiers: Orphanet 415, MedGen C0268540, MONDO:0009393, OMIM 238970.
Intellectual disability. Also called: Intellectual developmental disorder; Intellectual functioning disability; intellectual disabilities. Identifiers: MedGen C3714756, MeSH D008607, MONDO:0001071, HP:0001249.

Allele frequency attached by ClinVar (database versions not stated): 1000 Genomes Project 0.00080; 1000 Genomes Project 30x 0.00094; ExAC 0.00231; gnomAD exomes 0.00235; gnomAD 0.00276 and 0.00292; TOPMed 0.00362; ESP Exome Variant Server 0.00408.
gnomAD v4.1: 6,857 of 1,614,208 alleles (0.42%); highest among the groups gnomAD compares: Non-Finnish European, 0.54%; 15 homozygotes.

Submissions (11):

Labcorp Genetics (formerly Invitae), Labcorp
Classification: Likely benign for Hyperornithinemia-hyperammonemia-homocitrullinuria syndrome. Last evaluated: 2026-02-04. Review status: criteria provided, single submitter. Criteria: Invitae Variant Classification Sherloc (09022015). Collection method: clinical testing. Allele origin: germline.

CeGaT Center for Human Genetics Tuebingen
Classification: Likely benign. Last evaluated: 2026-02-01. Review status: criteria provided, single submitter. Criteria: CeGaT Center For Human Genetics Tuebingen Variant Classification Criteria Version 2. Collection method: clinical testing. Allele origin: germline. Affected: yes. Observed: 8 variant alleles.
Comment: SLC25A15: BS2

Blueprint Genetics
Classification: Likely benign. Last evaluated: 2024-11-22. Review status: criteria provided, single submitter. Criteria: ACMG Guidelines, 2015. Collection method: clinical testing. Allele origin: germline.

Mayo Clinic Laboratories, Mayo Clinic
Classification: Uncertain significance. Last evaluated: 2023-09-29. Review status: criteria provided, single submitter. Criteria: ACMG Guidelines, 2015. Collection method: clinical testing. Allele origin: germline. Observed: 1 variant allele.
Comment: BS1

ARUP Laboratories, Molecular Genetics and Genomics, ARUP Laboratories
Classification: Uncertain significance for Hyperornithinemia-hyperammonemia-homocitrullinuria syndrome. Last evaluated: 2023-09-22. Review status: criteria provided, single submitter. Criteria: ARUP Molecular Germline Variant Investigation Process 2024. Collection method: clinical testing. Allele origin: germline.

GeneDx
Classification: Uncertain significance. Last evaluated: 2018-04-03. Review status: criteria provided, single submitter. Criteria: GeneDx Variant Classification (06012015). Collection method: clinical testing. Allele origin: germline. Affected: yes.
Comment: The R61H variant in the SLC25A15 gene has been reported as a rare variant identified in 12 patients with multiple sclerosis, but was also observed in 10 healthy controls (Traboulsee et al., 2017). The R61H variant is observed in 577/126660 (0.45%) alleles from individuals of non-Finnish European background, in the ExAC dataset (Lek et al., 2016). The R61H variant is a conservative amino acid substitution, which is not likely to impact secondary protein structure as these residues share similar properties. This substitution occurs at a position that is not conserved. In silico analysis predicts this variant is probably damaging to the protein structure/function. We interpret R61H as a variant of uncertain significance.

Illumina Laboratory Services, Illumina
Classification: Likely benign for Hyperornithinemia-hyperammonemia-homocitrullinuria syndrome. Last evaluated: 2018-01-13. Review status: criteria provided, single submitter. Criteria: ICSL Variant Classification Criteria 13 December 2019. Collection method: clinical testing. Allele origin: germline.
Comment: This variant was observed in the ICSL laboratory as part of a predisposition screen in an ostensibly healthy population. It had not been previously curated by ICSL or reported in the Human Gene Mutation Database (HGMD: prior to June 1st, 2018), and was therefore a candidate for classification through an automated scoring system. Utilizing variant allele frequency, disease prevalence and penetrance estimates, and inheritance mode, an automated score was calculated to assess if this variant is too frequent to cause the disease. Based on the score and internal cut-off values, a variant classified as likely benign is not then subjected to further curation. The score for this variant resulted in a classification of likely benign for this disease.

Eurofins Ntd Llc (ga)
Classification: Uncertain significance. Last evaluated: 2016-04-21. Review status: criteria provided, single submitter. Criteria: EGL Classification Definitions 2015. Collection method: clinical testing. Allele origin: germline. Observed: 1 variant allele, 1 heterozygote.

PreventionGenetics, part of Exact Sciences
Classification: Likely benign for SLC25A15-related condition. Last evaluated: 2022-02-16. Review status: no assertion criteria provided. Collection method: clinical testing. Allele origin: germline. Not counted in ClinVar's aggregate classification.
Comment: This variant is classified as likely benign based on ACMG/AMP sequence variant interpretation guidelines (Richards et al. 2015 PMID: 25741868, with internal and published modifications).

Centre de Biologie Pathologie Génétique, Centre Hospitalier Universitaire de Lille
Classification: Likely benign for Intellectual disability. Last evaluated: 2019-01-01. Review status: no assertion criteria provided. Collection method: clinical testing. Allele origin: inherited. Affected: yes. Not counted in ClinVar's aggregate classification.

Department of Pathology and Laboratory Medicine, Sinai Health System
Classification: Uncertain significance. Review status: no assertion criteria provided. Collection method: clinical testing. Allele origin: unknown. Affected: yes. Study: The Canadian Open Genetics Repository (COGR). Not counted in ClinVar's aggregate classification.
Comment: The SLC25A15 p.Arg61His variant was not identified in the literature nor was it identified in Cosmic. The variant was identified in dbSNP (ID: rs34615430), ClinVar (classified as a VUS by GeneDx, EGL Genetics and Illumina and as likely benign by Invitae for hyperornithinemia-hyperammonemia-homocitrullinemia syndrome) and LOVD 3.0 (reported as likely benign). The variant was identified in control databases in 663 of 282814 chromosomes at a frequency of 0.002344 increasing the likelihood this could be a low frequency benign variant (Genome Aggregation Database Feb 27, 2017). The variant was observed in the following populations: European (non-Finnish) in 582 of 129132 chromosomes (freq: 0.004507), Other in 18 of 7228 chromosomes (freq: 0.00249), African in 23 of 24958 chromosomes (freq: 0.000922), Latino in 30 of 35438 chromosomes (freq: 0.000847) and European (Finnish) in 10 of 25122 chromosomes (freq: 0.000398); it was not observed in the Ashkenazi Jewish, East Asian and South Asian populations. The variant occurs outside of the splicing consensus sequence and in silico or computational prediction software programs (SpliceSiteFinder, MaxEntScan, NNSPLICE, GeneSplicer) do not predict a difference in splicing. The p.Arg61 residue is conserved in mammals but not in more distantly related organisms however four out of five computational analyses (PolyPhen-2, SIFT, AlignGVGD, BLOSUM, MutationTaster) do not suggest a high likelihood of impact to the protein; this information is not predictive enough to rule out pathogenicity. In summary, based on the above information the clinical significance of this variant cannot be determined with certainty at this time. This variant is classified as a variant of uncertain significance.

Literature cited by the submitters: PubMed 28337550 (cited by Mayo Clinic Laboratories, Mayo Clinic).